The following is an entry in ClinVar:

ClinVar aggregate classification (germline): Uncertain significance. Review status: criteria provided, multiple submitters, no conflicts (2 of 4 stars). 2 submissions from 2 submitters: Uncertain significance (2). Last evaluated 2022-04-25.

Conditions:
X-linked myopathy with postural muscle atrophy. Also called: FHL1-Related Emery-Dreifuss Muscular Dystrophy, X-Linked. Identifiers: Orphanet 178461, MedGen C2678055, MONDO:0010401, OMIM 300696.

Submissions (2):

Labcorp Genetics (formerly Invitae), Labcorp
Classification: Uncertain significance for X-linked myopathy with postural muscle atrophy. Last evaluated: 2022-04-25. Review status: criteria provided, single submitter. Criteria: Invitae Variant Classification Sherloc (09022015). Collection method: clinical testing. Allele origin: germline.
Comment: In summary, the available evidence is currently insufficient to determine the role of this variant in disease. Therefore, it has been classified as a Variant of Uncertain Significance. Algorithms developed to predict the effect of missense changes on protein structure and function are either unavailable or do not agree on the potential impact of this missense change (SIFT: "Deleterious"; PolyPhen-2: "Probably Damaging"; Align-GVGD: "Class C15"). ClinVar contains an entry for this variant (Variation ID: 1302064). This variant has not been reported in the literature in individuals affected with FHL1-related conditions. This variant is not present in population databases (gnomAD no frequency). This sequence change replaces cysteine, which is neutral and slightly polar, with tryptophan, which is neutral and slightly polar, at codon 191 of the FHL1 protein (p.Cys191Trp).

GeneDx
Classification: Uncertain significance. Last evaluated: 2019-04-01. Review status: criteria provided, single submitter. Criteria: GeneDx Variant Classification Process June 2021. Collection method: clinical testing. Allele origin: germline. Affected: yes.
Comment: Not observed in large population cohorts (Lek et al., 2016); In silico analysis, which includes protein predictors and evolutionary conservation, supports a deleterious effect; Has not been previously published as pathogenic or benign to our knowledge

NM_001159699.2(FHL1):c.621C>G (p.Cys207Trp)

Gene: FHL1 (four and a half LIM domains 1; plus strand). Cytogenetic location: Xq26.3.
Variant type: single nucleotide variant.
Coding change: c.621C>G on transcript NM_001159699.2 (MANE Select); coding-DNA position 621, C replaced by G.
Protein change: p.Cys207Trp; replaces cysteine 207 with tryptophan.
Molecular consequence: missense variant. On other transcripts: non-coding transcript variant (1), intron variant (2).
Genome position (GRCh38, 1-based): chrX:136,208,526, C>G. VCF-style: chrX-136208526-C-G. GRCh37 (hg19) VCF-style: chrX-135290685-C-G.
Other names: c.573C>G, p.Cys191Trp (NM_001159704.1, NM_001167819.1, NM_001369326.1 and 8 more transcripts); c.660C>G, p.Cys220Trp (NM_001159701.2); c.501+565C>G (NM_001159703.2); c.549+565C>G (NM_001330659.2); short protein forms C191W, C207W, C220W.
Identifiers: ClinVar variation 1302064 (VCV001302064.7), dbSNP rs2148378483, ClinGen allele CA414608854.